The following is an entry in ClinVar:

NM_001371928.1(AHDC1):c.4615G>A (p.Gly1539Ser)

Gene: AHDC1 (AT-hook DNA binding motif containing 1; minus strand). Cytogenetic location: 1p36.11.
Variant type: single nucleotide variant.
Coding change: c.4615G>A on transcript NM_001371928.1 (MANE Select); coding-DNA position 4615, G replaced by A.
Protein change: p.Gly1539Ser; replaces glycine 1539 with serine.
Molecular consequence: missense variant.
Genome position (GRCh38, 1-based): chr1:27,547,501, C>T on the plus strand (G>A on the coding strand, the complement: AHDC1 is on the minus strand). VCF-style: chr1-27547501-C-T. GRCh37 (hg19) VCF-style: chr1-27874012-C-T.
Other names: c.4615G>A, p.Gly1539Ser (NM_001029882.3); short protein forms G1539S.
Identifiers: ClinVar variation 3695965 (VCV003695965.2).

ClinVar aggregate classification (germline): Uncertain significance (1 of 4 stars; one submission).

gnomAD v4.1: 22 of 1,608,158 alleles (0.0014%); highest among the groups gnomAD compares: Non-Finnish European, 0.0018%; no homozygotes.

Submission:

Labcorp Genetics (formerly Invitae), Labcorp
Classification: Uncertain significance. Last evaluated: 2024-09-12. Review status: criteria provided, single submitter. Criteria: Invitae Variant Classification Sherloc (09022015). Collection method: clinical testing. Allele origin: germline.
Comment: This sequence change replaces glycine, which is neutral and non-polar, with serine, which is neutral and polar, at codon 1539 of the AHDC1 protein (p.Gly1539Ser). This variant is present in population databases (rs770479938, gnomAD 0.004%). This variant has not been reported in the literature in individuals affected with AHDC1-related conditions. An algorithm developed to predict the effect of missense changes on protein structure and function (PolyPhen-2) suggests that this variant is likely to be disruptive. In summary, the available evidence is currently insufficient to determine the role of this variant in disease. Therefore, it has been classified as a Variant of Uncertain Significance.